The following is an entry in ClinVar:

NM_003737.4(DCHS1):c.2975G>A (p.Gly992Glu)

Gene: DCHS1 (dachsous cadherin-related 1; minus strand). Cytogenetic location: 11p15.4.
Variant type: single nucleotide variant.
Coding change: c.2975G>A on transcript NM_003737.4 (MANE Select); coding-DNA position 2975, G replaced by A.
Protein change: p.Gly992Glu; replaces glycine 992 with glutamic acid.
Molecular consequence: missense variant.
Genome position (GRCh38, 1-based): chr11:6,632,537, C>T on the plus strand (G>A on the coding strand, the complement: DCHS1 is on the minus strand). VCF-style: chr11-6632537-C-T. GRCh37 (hg19) VCF-style: chr11-6653768-C-T.
Other names: c.2975G>A (NM_003737.2); short protein forms G992E.
Identifiers: ClinVar variation 734074 (VCV000734074.41), dbSNP rs145749053, ClinGen allele CA5860624.

ClinVar aggregate classification (germline): Likely benign. Review status: criteria provided, multiple submitters, no conflicts (2 of 4 stars). 9 submissions from 9 submitters: Likely benign (5). 4 of the submissions do not count toward it. Last evaluated 2026-02-04.

Conditions:
DCHS1-related disorder. Also called: DCHS1-related condition.
Inborn genetic diseases. Identifiers: MedGen C0950123, MeSH D030342.

Allele frequency attached by ClinVar (database versions not stated): 1000 Genomes Project 30x 0.00047; 1000 Genomes Project 0.00060; gnomAD exomes 0.00133; TOPMed 0.00138; gnomAD 0.00141 and 0.00144; ESP Exome Variant Server 0.00169; ExAC 0.00239.
gnomAD v4.1: 3,974 of 1,532,226 alleles (0.26%); highest among the groups gnomAD compares: Non-Finnish European, 0.33%; 8 homozygotes.

Submissions (9):

Labcorp Genetics (formerly Invitae), Labcorp
Classification: Likely benign. Last evaluated: 2026-02-04. Review status: criteria provided, single submitter. Criteria: Invitae Variant Classification Sherloc (09022015). Collection method: clinical testing. Allele origin: germline.

CeGaT Center for Human Genetics Tuebingen
Classification: Likely benign. Last evaluated: 2025-02-01. Review status: criteria provided, single submitter. Criteria: CeGaT Center For Human Genetics Tuebingen Variant Classification Criteria Version 2. Collection method: clinical testing. Allele origin: germline. Affected: yes. Observed: 2 variant alleles.
Comment: DCHS1: BP4, BS2

Blueprint Genetics
Classification: Likely benign. Last evaluated: 2024-10-17. Review status: criteria provided, single submitter. Criteria: ACMG Guidelines, 2015. Collection method: clinical testing. Allele origin: germline.

Ambry Genetics
Classification: Likely benign for Inborn genetic diseases. Last evaluated: 2023-08-05. Review status: criteria provided, single submitter. Criteria: Ambry Variant Classification Scheme 2023. Collection method: clinical testing. Allele origin: germline.

GeneDx
Classification: Likely benign. Last evaluated: 2022-04-19. Review status: criteria provided, single submitter. Criteria: GeneDx Variant Classification Process June 2021. Collection method: clinical testing. Allele origin: germline. Affected: yes.
Comment: See Variant Classification Assertion Criteria.

PreventionGenetics, part of Exact Sciences
Classification: Likely benign for DCHS1-related condition. Last evaluated: 2023-05-08. Review status: no assertion criteria provided. Collection method: clinical testing. Allele origin: germline. Not counted in ClinVar's aggregate classification.
Comment: This variant is classified as likely benign based on ACMG/AMP sequence variant interpretation guidelines (Richards et al. 2015 PMID: 25741868, with internal and published modifications).

Clinical Genetics DNA and cytogenetics Diagnostics Lab, Erasmus MC, Erasmus Medical Center
Classification: Likely benign. Review status: no assertion criteria provided. Collection method: clinical testing. Allele origin: germline. Affected: yes. Study: VKGL Data-share Consensus. Not counted in ClinVar's aggregate classification.

Genome Diagnostics Laboratory, University Medical Center Utrecht
Classification: Likely benign. Review status: no assertion criteria provided. Collection method: clinical testing. Allele origin: germline. Affected: yes. Study: VKGL Data-share Consensus. Not counted in ClinVar's aggregate classification.

Laboratory of Diagnostic Genome Analysis, Leiden University Medical Center (LUMC)
Classification: Likely benign. Review status: no assertion criteria provided. Collection method: clinical testing. Allele origin: germline. Affected: yes. Study: VKGL Data-share Consensus. Not counted in ClinVar's aggregate classification.